The following is an entry in ClinVar:

NM_005535.3(IL12RB1):c.653A>C (p.Gln218Pro)

Gene: IL12RB1 (interleukin 12 receptor subunit beta 1; minus strand). Cytogenetic location: 19p13.11.
Variant type: single nucleotide variant.
Coding change: c.653A>C on transcript NM_005535.3 (MANE Select); coding-DNA position 653, A replaced by C.
Protein change: p.Gln218Pro; replaces glutamine 218 with proline.
Molecular consequence: missense variant.
Genome position (GRCh38, 1-based): chr19:18,075,796, T>G on the plus strand (A>C on the coding strand, the complement: IL12RB1 is on the minus strand). VCF-style: chr19-18075796-T-G. GRCh37 (hg19) VCF-style: chr19-18186606-T-G.
Other names: c.653A>C, p.Gln218Pro (NM_001290023.2, NM_153701.3); c.773A>C, p.Gln258Pro (NM_001290024.2); short protein forms Q218P, Q258P.
Identifiers: ClinVar variation 891609 (VCV000891609.8), dbSNP rs750806550, ClinGen allele CA9305125.

ClinVar aggregate classification (germline): Uncertain significance. Review status: criteria provided, multiple submitters, no conflicts (2 of 4 stars). 2 submissions from 2 submitters: Uncertain significance (2). Last evaluated 2025-07-07.

Conditions:
Mendelian susceptibility to mycobacterial diseases due to complete IL12RB1 deficiency. Also called: Immunodeficiency 30; IL12RB1 DEFICIENCY. Identifiers: Orphanet 319552, MedGen C4013949, MONDO:0013955, OMIM 614891.

Allele frequency attached by ClinVar (database versions not stated): gnomAD 0.00001; gnomAD exomes 0.00001 and 0.00002; TOPMed 0.00001; ExAC 0.00002.
gnomAD v4.1: 20 of 1,613,142 alleles (0.0012%); highest among the groups gnomAD compares: Non-Finnish European, 0.0017%; no homozygotes.

Submissions (2):

Labcorp Genetics (formerly Invitae), Labcorp
Classification: Uncertain significance for Mendelian susceptibility to mycobacterial diseases due to complete IL12RB1 deficiency. Last evaluated: 2025-07-07. Review status: criteria provided, single submitter. Criteria: Invitae Variant Classification Sherloc (09022015). Collection method: clinical testing. Allele origin: germline.
Comment: This sequence change replaces glutamine, which is neutral and polar, with proline, which is neutral and non-polar, at codon 218 of the IL12RB1 protein (p.Gln218Pro). This variant is present in population databases (rs750806550, gnomAD 0.003%). This variant has not been reported in the literature in individuals affected with IL12RB1-related conditions. ClinVar contains an entry for this variant (Variation ID: 891609). Invitae Evidence Modeling of protein sequence and biophysical properties (such as structural, functional, and spatial information, amino acid conservation, physicochemical variation, residue mobility, and thermodynamic stability) indicates that this missense variant is not expected to disrupt IL12RB1 protein function with a negative predictive value of 80%. In summary, the available evidence is currently insufficient to determine the role of this variant in disease. Therefore, it has been classified as a Variant of Uncertain Significance.

Illumina Laboratory Services, Illumina
Classification: Uncertain significance for Mendelian susceptibility to mycobacterial diseases due to complete IL12RB1 deficiency. Last evaluated: 2018-01-13. Review status: criteria provided, single submitter. Criteria: ICSL Variant Classification Criteria 13 December 2019. Collection method: clinical testing. Allele origin: germline.